The following is an entry in ClinVar:

ClinVar aggregate classification (germline): Uncertain significance (1 of 4 stars; one submission).

Conditions:
Cardiovascular phenotype. Identifiers: MedGen CN230736.

Submission:

Ambry Genetics
Classification: Uncertain significance for Cardiovascular phenotype. Last evaluated: 2020-01-15. Review status: criteria provided, single submitter. Criteria: Ambry Variant Classification Scheme 2023. Collection method: clinical testing. Allele origin: germline.
Comment: The p.M192I variant (also known as c.576G>T), located in coding exon 1 of the MYPN gene, results from a G to T substitution at nucleotide position 576. The methionine at codon 192 is replaced by isoleucine, an amino acid with highly similar properties. This amino acid position is poorly conserved in available vertebrate species, and isoleucine is the reference amino acid in other vertebrate species. In addition, this alteration is predicted to be tolerated by in silico analysis. Since supporting evidence is limited at this time, the clinical significance of this alteration remains unclear.

NM_032578.4(MYPN):c.576G>T (p.Met192Ile)

Gene: MYPN (myopalladin; plus strand). Cytogenetic location: 10q21.3.
Variant type: single nucleotide variant.
Coding change: c.576G>T on transcript NM_032578.4 (MANE Select); coding-DNA position 576, G replaced by T.
Protein change: p.Met192Ile; replaces methionine 192 with isoleucine.
Molecular consequence: missense variant. On other transcripts: 5 prime UTR variant (1), non-coding transcript variant (1).
Genome position (GRCh38, 1-based): chr10:68,122,014, G>T. VCF-style: chr10-68122014-G-T. GRCh37 (hg19) VCF-style: chr10-69881771-G-T.
Other names: c.576G>T, p.Met192Ile (NM_001256267.2); c.-547G>T (NM_001256268.2); short protein forms M192I.
Identifiers: ClinVar variation 1749541 (VCV001749541.2), dbSNP rs2495464592, ClinGen allele CA377104666.